The following is an entry in ClinVar:

NM_000213.5(ITGB4):c.2530C>T (p.Arg844Cys)

Gene: ITGB4 (integrin subunit beta 4; plus strand). Cytogenetic location: 17q25.1.
Variant type: single nucleotide variant.
Coding change: c.2530C>T on transcript NM_000213.5 (MANE Select); coding-DNA position 2530, C replaced by T.
Protein change: p.Arg844Cys; replaces arginine 844 with cysteine.
Molecular consequence: missense variant.
Genome position (GRCh38, 1-based): chr17:75,740,441, C>T. VCF-style: chr17-75740441-C-T. GRCh37 (hg19) VCF-style: chr17-73736522-C-T.
Other names: c.2530C>T, p.Arg844Cys (NM_001005619.2, NM_001005731.3, NM_001321123.2); short protein forms R844C.
Identifiers: ClinVar variation 1958147 (VCV001958147.3), dbSNP rs149608383, ClinGen allele CA8769437.
Genomic context (GRCh38, chr17:75,740,441, plus strand): 5'-CTGGCCCGCCTTTGCACCGAGAACCTGCTGAAGCCTGACACTCGGGAGTGCGCCCAGCTG[C>T]GCCAGGAGGTGGAGGAGAACGTAAGGACCCAGGAACTAGGCCTGGCCGGAGATGTGGGTA-3'
Protein context (NP_000204.3, residues 834-854): KPDTRECAQL[Arg844Cys]QEVEENLNEV

ClinVar aggregate classification (germline): Uncertain significance. Review status: criteria provided, multiple submitters, no conflicts (2 of 4 stars). 2 submissions from 2 submitters: Uncertain significance (2). Last evaluated 2024-01-05.

Conditions:
Junctional epidermolysis bullosa with pyloric atresia. Also called: APLASIA CUTIS CONGENITA WITH GASTROINTESTINAL ATRESIA; CARMI SYNDROME; Epidermolysis bullosa, junctional, with pyloric atresia and aplasia cutis congenita; Epidermolysis bullosa junctionalis with pyloric atresia; EB-PA-ACC; EPIDERMOLYSIS BULLOSA, JUNCTIONAL 5B, WITH PYLORIC ATRESIA. Identifiers: Orphanet 79403, MedGen C5676875, MONDO:0009183, OMIM 226730.
Epidermolysis bullosa, junctional 5A, intermediate. Also called: EPIDERMOLYSIS BULLOSA, JUNCTIONAL 5A, GENERALIZED INTERMEDIATE; EPIDERMOLYSIS BULLOSA, JUNCTIONAL 5A, NON-HERLITZ TYPE. Identifiers: MedGen C5676956, MONDO:0030768, OMIM 619816.

Allele frequency attached by ClinVar (database versions not stated): gnomAD 0.00001; gnomAD exomes 0.00001; TOPMed 0.00002; ExAC 0.00003; ESP Exome Variant Server 0.00008.
gnomAD v4.1: 23 of 1,613,602 alleles (0.0014%); highest among the groups gnomAD compares: South Asian, 0.011%; no homozygotes.

Submissions (2):

Fulgent Genetics
Classification: Uncertain significance for Junctional epidermolysis bullosa with pyloric atresia; Epidermolysis bullosa, junctional 5A, intermediate. Last evaluated: 2024-01-05. Review status: criteria provided, single submitter. Criteria: ACMG Guidelines, 2015. Collection method: clinical testing. Allele origin: germline.

Labcorp Genetics (formerly Invitae), Labcorp
Classification: Uncertain significance. Last evaluated: 2022-07-22. Review status: criteria provided, single submitter. Criteria: Invitae Variant Classification Sherloc (09022015). Collection method: clinical testing. Allele origin: germline.
Comment: This sequence change replaces arginine, which is basic and polar, with cysteine, which is neutral and slightly polar, at codon 844 of the ITGB4 protein (p.Arg844Cys). This variant is present in population databases (rs149608383, gnomAD 0.01%). This variant has not been reported in the literature in individuals affected with ITGB4-related conditions. Algorithms developed to predict the effect of missense changes on protein structure and function are either unavailable or do not agree on the potential impact of this missense change (SIFT: "Not Available"; PolyPhen-2: "Possibly Damaging"; Align-GVGD: "Not Available"). In summary, the available evidence is currently insufficient to determine the role of this variant in disease. Therefore, it has been classified as a Variant of Uncertain Significance.